The following is an entry in ClinVar:

NM_000077.5(CDKN2A):c.-17_7dup (p.Glu2_Pro3insArgAlaAlaGlySerSerMetGlu)

Genes: CDKN2A (cyclin dependent kinase inhibitor 2A; minus strand), LOC130001603 (ATAC-STARR-seq lymphoblastoid silent region 19811; plus strand). Cytogenetic location: 9p21.3.
Variant type: Duplication.
Coding change: c.-17_7dup on transcript NM_000077.5; 17 bases upstream of the start codon through coding-DNA position 7, 24 bases duplicated (GGGCGGCGGGGAGCAGCATGGAGC).
Protein change: p.Glu2_Pro3insArgAlaAlaGlySerSerMetGlu.
Molecular consequence: inframe insertion, initiator codon variant (on NM_001195132.2). On other transcripts: intron variant (2).
Genome position (GRCh38, 1-based): chr9:21,974,821-21,974,844, GCTCCATGCTGCTCCCCGCCGCCC duplicated on the plus strand (GGGCGGCGGGGAGCAGCATGGAGC on the coding strand, the reverse complement: CDKN2A is on the minus strand); duplicating any 24 consecutive bases within chr9:21,974,821-21,974,847 gives the same sequence; the c. name uses the placement nearest the transcript's 3' end. VCF-style (leftmost placement, unchanged base first): chr9-21974820-G-GGCTCCATGCTGCTCCCCGCCGCCC. GRCh37 (hg19) VCF-style: chr9-21974819-G-GGCTCCATGCTGCTCCCCGCCGCCC.
Other names: c.-20_4dup, p.Met(?_1)_Glu2(?) (NM_000077.6); c.-17_7dup, p.Glu2_Pro3insArgAlaAlaGlySerSerMetGlu (NM_001195132.2, NM_058197.5); c.-3-3636_-3-3613dup (NM_001363763.2); c.194-3636_194-3613dup (NM_058195.4); c.-17_7dupGGGCGGCGGGGAGCAGCATGGAGC (NM_000077.4).
Identifiers: ClinVar variation 2449773 (VCV002449773.6), dbSNP rs1819968622, ClinGen allele CA2580080353.

ClinVar aggregate classification (germline): Uncertain significance. Review status: criteria provided, multiple submitters, no conflicts (2 of 4 stars). 2 submissions from 2 submitters: Uncertain significance (2). Last evaluated 2025-01-20.

Conditions:
Hereditary cancer-predisposing syndrome. Also called: Hereditary Cancer Syndrome; Neoplastic Syndromes, Hereditary; Tumor predisposition; Hereditary neoplastic syndrome. Identifiers: Orphanet 140162, MedGen C0027672, MeSH D009386, MONDO:0015356.
Familial melanoma. Also called: Hereditary melanoma; Hereditary cutaneous melanoma. Identifiers: Orphanet 618, MedGen C1512419, MONDO:0018961.

Submissions (2):

Ambry Genetics
Classification: Uncertain significance for Hereditary cancer-predisposing syndrome. Last evaluated: 2025-01-20. Review status: criteria provided, single submitter. Criteria: Ambry Variant Classification Scheme 2023. Collection method: clinical testing. Allele origin: germline.
Comment: The c.-17_7dup24 variant begins in the 5' untranslated region (5&rsquo;UTR) and spans into the third codon of the CDKN2A gene. This variant results from a duplication of the GGGCGGCGGGGAGCAGCATGGAGC sequence beginning 17 nucleotides upstream of the initiation site through nucleotide 7. This leads to an in-frame insertion of eight amino acids between the second and third amino acids of the protein (p.E2_P3insRAAGSSME) and does not impact initiation site. This nucleotide region is not well conserved in available vertebrate species. In addition, this alteration is predicted to be neutral by in silico analysis (Choi Y et al. PLoS ONE. 2012; 7(10):e46688). Based on the available evidence, the clinical significance of this variant remains unclear.

Labcorp Genetics (formerly Invitae), Labcorp
Classification: Uncertain significance for Familial melanoma. Last evaluated: 2024-04-11. Review status: criteria provided, single submitter. Criteria: Invitae Variant Classification Sherloc (09022015). Collection method: clinical testing. Allele origin: germline.
Comment: This variant occurs in a non-coding region of the CDKN2A (p16INK4a) gene. It does not change the encoded amino acid sequence of the CDKN2A (p16INK4a) protein. This variant is not present in population databases (gnomAD no frequency). This variant has not been reported in the literature in individuals affected with CDKN2A (p16INK4a)-related conditions. ClinVar contains an entry for this variant (Variation ID: 2449773). Experimental studies and prediction algorithms are not available or were not evaluated, and the functional significance of this variant is currently unknown. In summary, the available evidence is currently insufficient to determine the role of this variant in disease. Therefore, it has been classified as a Variant of Uncertain Significance.